The following is an entry in ClinVar:

ClinVar aggregate classification (germline): Likely benign (1 of 4 stars; one submission).

gnomAD v4.1: 1 of 186,176 alleles (0.00054%); highest among the groups gnomAD compares: Non-Finnish European, 0.0011%; no homozygotes.

Submission:

CeGaT Center for Human Genetics Tuebingen
Classification: Likely benign. Last evaluated: 2026-07-01. Review status: criteria provided, single submitter. Criteria: CeGaT Center For Human Genetics Tuebingen Variant Classification Criteria Version 2. Collection method: clinical testing. Allele origin: germline. Affected: yes. Observed: 1 variant allele.
Comment: KCNQ1OT1: BP5

NM_000218.3(KCNQ1):c.1514+5470G>T

Genes: KCNQ1 (potassium voltage-gated channel subfamily Q member 1; plus strand), KCNQ1OT1 (KCNQ1 opposite strand/antisense transcript 1; minus strand). Cytogenetic location: 11p15.5.
Variant type: single nucleotide variant.
Coding change: c.1514+5470G>T on transcript NM_000218.3 (MANE Select); 5470 bases into the intron after coding-DNA position 1514, G replaced by T.
Molecular consequence: intron variant. On other transcripts: non-coding transcript variant (1).
Genome position (GRCh38, 1-based): chr11:2,667,551, G>T. VCF-style: chr11-2667551-G-T. GRCh37 (hg19) VCF-style: chr11-2688781-G-T.
Other names: c.1244+5470G>T (NM_001406837.1); c.1418+5470G>T (NM_001406836.1); c.974+5470G>T (NM_001406838.1); c.1133+5470G>T (NM_181798.2).
Identifiers: ClinVar variation 5039769 (VCV005039769.1).
Genomic context (GRCh38, chr11:2,667,551, plus strand): 5'-TTCACGCCACAGAGGTGGCTGGAGGGCAAAGGACTTCACAACTGCACTGATATTGTCATG[G>T]AGACACTTCTGGCAGTTGGGGCAGGGGGTCGGGGCGGGGTTGGGCGGGGGGCACATCCCA-3'